The following is an entry in ClinVar:

NM_152419.3(HGSNAT):c.494-1G>A

Gene: HGSNAT (heparan-alpha-glucosaminide N-acetyltransferase; plus strand). Cytogenetic location: 8p11.21.
Variant type: single nucleotide variant.
Coding change: c.494-1G>A on transcript NM_152419.3 (MANE Select); the canonical splice acceptor site of the intron before coding-DNA position 494, G replaced by A.
Molecular consequence: splice acceptor variant.
Genome position (GRCh38, 1-based): chr8:43,161,437, G>A. VCF-style: chr8-43161437-G-A. GRCh37 (hg19) VCF-style: chr8-43016580-G-A.
Other names: c.494-1G>A (NM_001363227.2, NM_001363228.2); c.-340-1G>A (NM_001363229.2).
Identifiers: ClinVar variation 2418952 (VCV002418952.8), dbSNP rs2486918882, ClinGen allele CA371115725.
Genomic context (GRCh38, chr8:43,161,437, plus strand): 5'-ATGTCTTTGATGTTCATGATGACATTTTTGGGGGCTAATGTGTTTTCTTCTCTTTTTCTA[G>A]CTGTGAGCATTGCATTCCTTATTGGTCTTGCTGTCATCATTGTGATATCCTTTCTGAGGC-3'

ClinVar aggregate classification (germline): Pathogenic/Likely pathogenic. Review status: criteria provided, multiple submitters, no conflicts (2 of 4 stars). 2 submissions from 2 submitters: Pathogenic (1); Likely pathogenic (1). Last evaluated 2022-12-13.

Conditions:
HGSNAT-related disorders.
Retinitis pigmentosa 73 (RP73). Identifiers: Orphanet 791, MedGen C4225287, MONDO:0014687, OMIM 616544.
Mucopolysaccharidosis, MPS-III-C (MPS3C). Also called: SANFILIPPO SYNDROME C; MPS IIIC (Sanfilippo Syndrome Type C); MPS III C; Mucopolysaccharidosis type IIIC (Sanfilippo C); MUCOPOLYSACCHARIDOSIS, TYPE IIIC; mucopolysaccharidosis type 3C. Identifiers: Orphanet 581, Orphanet 79271, MedGen C0086649, MONDO:0009657, OMIM 252930.

Allele frequency attached by ClinVar (database versions not stated): gnomAD exomes below 0.00001.
gnomAD v4.1: 1 of 1,612,236 alleles (0.000062%); highest among the groups gnomAD compares: Non-Finnish European, 0.000085%; no homozygotes.

Submissions (2):

Labcorp Genetics (formerly Invitae), Labcorp
Classification: Pathogenic for Retinitis pigmentosa 73; Mucopolysaccharidosis, MPS-III-C. Last evaluated: 2022-12-13. Review status: criteria provided, single submitter. Criteria: Invitae Variant Classification Sherloc (09022015). Collection method: clinical testing. Allele origin: germline.
Comment: For these reasons, this variant has been classified as Pathogenic. Studies have shown that disruption of this splice site results in skipping of exon 5 and introduces a premature termination codon (PMID: 31228227). The resulting mRNA is expected to undergo nonsense-mediated decay. Disruption of this splice site has been observed in individual(s) with Mucopolysaccharidosis type III (PMID: 31228227). This variant is not present in population databases (gnomAD no frequency). This sequence change affects an acceptor splice site in intron 4 of the HGSNAT gene. RNA analysis indicates that disruption of this splice site induces altered splicing and may result in an absent or disrupted protein product.

Blueprint Genetics
Classification: Likely pathogenic for HGSNAT-related disorders. Last evaluated: 2022-05-13. Review status: criteria provided, single submitter. Criteria: ACMG Guidelines, 2015. Collection method: clinical testing. Allele origin: germline. Affected: yes. Observed: 2 variant alleles.

Literature cited by the submitters: PubMed 31228227 (cited by Labcorp Genetics (formerly Invitae), Labcorp).